The following is an entry in ClinVar:

NM_206933.4(USH2A):c.8758A>G (p.Thr2920Ala)

Gene: USH2A (usherin; minus strand). Cytogenetic location: 1q41.
Variant type: single nucleotide variant.
Coding change: c.8758A>G on transcript NM_206933.4 (MANE Select); coding-DNA position 8758, A replaced by G.
Protein change: p.Thr2920Ala; replaces threonine 2920 with alanine.
Molecular consequence: missense variant.
Genome position (GRCh38, 1-based): chr1:215,867,094, T>C on the plus strand (A>G on the coding strand, the complement: USH2A is on the minus strand). VCF-style: chr1-215867094-T-C. GRCh37 (hg19) VCF-style: chr1-216040436-T-C.
Other names: short protein forms T2920A.
Identifiers: ClinVar variation 846165 (VCV000846165.12), dbSNP rs762358589, ClinGen allele CA1394516.

ClinVar aggregate classification (germline): Conflicting classifications of pathogenicity. Review status: criteria provided, conflicting classifications (1 of 4 stars). 3 submissions from 3 submitters: Likely pathogenic (1); Uncertain significance (1). 1 of the submissions does not count toward it. Last evaluated 2025-06-22.

Conditions:
USH2A-related disorder. Also called: USH2A-related disorders; USH2A-related condition. Identifiers: MedGen CN239332.
Usher syndrome type 2A. Also called: RETINAL DISEASE IN USHER SYNDROME TYPE IIA, MODIFIER OF; USHER SYNDROME, TYPE IIA. Identifiers: Orphanet 231178, Orphanet 886, MedGen C1848634, MONDO:0010169, OMIM 276901.

Allele frequency attached by ClinVar (database versions not stated): gnomAD exomes below 0.00001 and 0.00002; TOPMed below 0.00001; gnomAD 0.00001; ExAC 0.00002.
gnomAD v4.1: 9 of 1,614,032 alleles (0.00056%); highest among the groups gnomAD compares: Non-Finnish European, 0.00059%; no homozygotes.

Submissions (3):

Labcorp Genetics (formerly Invitae), Labcorp
Classification: Uncertain significance. Last evaluated: 2025-06-22. Review status: criteria provided, single submitter. Criteria: Invitae Variant Classification Sherloc (09022015). Collection method: clinical testing. Allele origin: germline.
Comment: This sequence change replaces threonine, which is neutral and polar, with alanine, which is neutral and non-polar, at codon 2920 of the USH2A protein (p.Thr2920Ala). This variant is present in population databases (rs762358589, gnomAD 0.003%). This missense change has been observed in individuals with retinitis pigmentosa (PMID: 36819107; internal data). ClinVar contains an entry for this variant (Variation ID: 846165). Invitae Evidence Modeling of protein sequence and biophysical properties (such as structural, functional, and spatial information, amino acid conservation, physicochemical variation, residue mobility, and thermodynamic stability) has been performed for this missense variant. However, the output from this modeling did not meet the statistical confidence thresholds required to predict the impact of this variant on USH2A protein function. In summary, the available evidence is currently insufficient to determine the role of this variant in disease. Therefore, it has been classified as a Variant of Uncertain Significance.

Blueprint Genetics
Classification: Likely pathogenic for USH2A-related disorders. Last evaluated: 2021-03-15. Review status: criteria provided, single submitter. Criteria: ACMG Guidelines, 2015. Collection method: clinical testing. Allele origin: germline. Affected: yes. Observed: 2 variant alleles.

Natera, Inc.
Classification: Uncertain significance for Usher syndrome type 2A. Last evaluated: 2020-07-24. Review status: no assertion criteria provided. Collection method: clinical testing. Allele origin: germline. Not counted in ClinVar's aggregate classification.

Literature cited by the submitters: PubMed 36819107 (cited by Labcorp Genetics (formerly Invitae), Labcorp).